The following is an entry in ClinVar:

NM_206933.4(USH2A):c.288del (p.Tyr97fs)

Gene: USH2A (usherin; minus strand). Cytogenetic location: 1q41.
Variant type: Deletion.
Coding change: c.288del on transcript NM_206933.4 (MANE Select); coding-DNA position 288, one base deleted (C; older notation c.288delC).
Protein change: p.Tyr97fs; shifts the reading frame from tyrosine 97.
Molecular consequence: frameshift variant.
Genome position (GRCh38, 1-based): chr1:216,422,049, G deleted on the plus strand (C on the coding strand, the reverse complement: USH2A is on the minus strand); the first of 2 consecutive G bases (chr1:216,422,049-216,422,050); deleting either gives the same sequence. VCF-style (leftmost placement, unchanged base first): chr1-216422048-AG-A. GRCh37 (hg19) VCF-style: chr1-216595390-AG-A.
Other names: c.288del, p.Tyr97fs (NM_007123.6); short protein forms Y97fs.
Identifiers: ClinVar variation 1065699 (VCV001065699.1), dbSNP rs2102788658, ClinGen allele CA2499214532.
Genomic context (GRCh38, chr1:216,422,048, plus strand): 5'-GCAGATCATTCTTGTCTGGTGTGATGCAGCTACTGAGGCCTGCTGAGAAAAGGGCAGTGT[AG>A]GTAGGGTGTGAAGATCTGTATGGGCAATCCTGAATACAAAACCGCTGGGTACAGAACTGA-3'

ClinVar aggregate classification (germline): Likely pathogenic (1 of 4 stars; one submission).

Conditions:
Retinitis pigmentosa 39 (RP39). Identifiers: Orphanet 791, MedGen C3151138, MONDO:0013436, OMIM 613809.

Submission:

Ocular Genomics Institute, Massachusetts Eye and Ear
Classification: Likely pathogenic for Retinitis pigmentosa 39. Last evaluated: 2021-04-08. Review status: criteria provided, single submitter. Criteria: ACMG Guidelines, 2015. Collection method: research. Allele origin: germline. Affected: yes.
Comment: Through a review of available evidence we were able to apply the following criteria: PVS1, PM2. Based on this evidence we have classified this variant as Likely pathogenic.